The following is an entry in ClinVar:

NM_006180.6(NTRK2):c.1819C>T (p.Leu607Phe)

Gene: NTRK2 (neurotrophic receptor tyrosine kinase 2; plus strand). Cytogenetic location: 9q21.33.
Variant type: single nucleotide variant.
Coding change: c.1819C>T on transcript NM_006180.6 (MANE Select); coding-DNA position 1819, C replaced by T.
Protein change: p.Leu607Phe; replaces leucine 607 with phenylalanine.
Molecular consequence: missense variant.
Genome position (GRCh38, 1-based): chr9:84,948,516, C>T. VCF-style: chr9-84948516-C-T. GRCh37 (hg19) VCF-style: chr9-87563431-C-T.
Other names: c.1771C>T, p.Leu591Phe (NM_001018064.3, NM_001369532.1, NM_001369533.1); c.1735C>T, p.Leu579Phe (NM_001369534.1); c.1303C>T, p.Leu435Phe (NM_001369535.1); c.1351C>T, p.Leu451Phe (NM_001369536.1); short protein forms L579F, L435F, L591F, L607F, L451F.
Identifiers: ClinVar variation 4995746 (VCV004995746.1).

ClinVar aggregate classification (germline): Uncertain significance (1 of 4 stars; one submission).

Conditions:
NTRK2-related disorder. Also called: NTRK2-related condition.

Submission:

PreventionGenetics, part of Exact Sciences
Classification: Uncertain significance for NTRK2-related condition. Last evaluated: 2026-09-02. Review status: criteria provided, single submitter. Criteria: ACMG Guidelines, 2015. Collection method: clinical testing. Allele origin: germline.
Comment: The NTRK2 c.1819C>T variant is predicted to result in the amino acid substitution p.Leu607Phe. To our knowledge, this variant has not been reported in the literature or in a large population database (gnomAD), indicating this variant is rare. At this time, the clinical significance of this variant is uncertain due to the absence of conclusive functional and genetic evidence.